The following is an entry in ClinVar:

ClinVar aggregate classification (germline): Likely pathogenic (1 of 4 stars; one submission).

Conditions:
Ataxia-telangiectasia syndrome (AT). Also called: ATAXIA-TELANGIECTASIA, COMPLEMENTATION GROUP A; ATAXIA-TELANGIECTASIA, FRESNO VARIANT; Ataxia-telangiectasia, complementation group E; Ataxia telangiectasia (A-T); LOUIS-BAR SYNDROME; Cerebello-oculocutaneous telangiectasia. Identifiers: Orphanet 100, MedGen C0004135, MONDO:0008840, OMIM 208900.

Submission:

Labcorp Genetics (formerly Invitae), Labcorp
Classification: Likely pathogenic for Ataxia-telangiectasia syndrome. Last evaluated: 2020-06-20. Review status: criteria provided, single submitter. Criteria: Invitae Variant Classification Sherloc (09022015). Collection method: clinical testing. Allele origin: germline.
Comment: This variant is an in-frame deletion of the genomic region encompassing exon(s) 34-37 of the ATM gene. It preserves the integrity of the reading frame. This variant has not been reported in the literature in individuals with ATM-related conditions. This variant disrupts the p.Thr1743 amino acid residue in ATM. Other variant(s) that disrupt this residue have been determined to be pathogenic (PMID: 9463314, 19147735, 19431188). This suggests that this residue is clinically significant, and that variants that disrupt this residue are likely to be disease-causing. In summary, the currently available evidence indicates that the variant is pathogenic, but additional data are needed to prove that conclusively. Therefore, this variant has been classified as Likely Pathogenic.

Literature cited by the submitters: PubMed 9463314; PubMed 19147735; PubMed 19431188.

NC_000011.10:g.(?_108299704)_(108304862_?)del

Gene: ATM (ATM serine/threonine kinase; plus strand). Cytogenetic location: 11q22.3.
Variant type: Deletion.
Identifiers: ClinVar variation 831761 (VCV000831761.7).